The following is an entry in ClinVar:

NM_001386795.1(DTNA):c.754A>T (p.Met252Leu)

Gene: DTNA (dystrobrevin alpha; plus strand). Cytogenetic location: 18q12.1.
Variant type: single nucleotide variant.
Coding change: c.754A>T on transcript NM_001386795.1 (MANE Select); coding-DNA position 754, A replaced by T.
Protein change: p.Met252Leu; replaces methionine 252 with leucine.
Molecular consequence: missense variant. On other transcripts: intron variant (1).
Genome position (GRCh38, 1-based): chr18:34,818,208, A>T. VCF-style: chr18-34818208-A-T. GRCh37 (hg19) VCF-style: chr18-32398172-A-T.
Other names: c.754A>T, p.Met252Leu (NM_001128175.2, NM_001198938.2, NM_001198939.2 and 34 more transcripts); c.4A>T, p.Met2Leu (NM_001198943.1); c.603+6095A>T (NM_001198945.2); short protein forms M252L, M2L.
Identifiers: ClinVar variation 2194861 (VCV002194861.4), dbSNP rs747746690, ClinGen allele CA402168627.
Genomic context (GRCh38, chr18:34,818,208, plus strand): 5'-CTTACTTCCCCCTTAGTCTTCCATCCGGTTGAGTGTTCCTACTGCCACAGTGAGAGTATG[A>T]TGGGATTTCGCTACCGATGCCAACAGTGTCACAATTACCAGCTCTGTCAGGACTGCTTCT-3'
Protein context (NP_001373724.1, residues 242-262): ECSYCHSESM[Met252Leu]GFRYRCQQCH

ClinVar aggregate classification (germline): Uncertain significance (1 of 4 stars; one submission).

Conditions:
Left ventricular noncompaction 1 (LVNC1). Also called: LEFT VENTRICULAR NONCOMPACTION 1 WITH OR WITHOUT CONGENITAL HEART DEFECTS. Identifiers: Orphanet 54260, MedGen C1858725, MONDO:0011403, OMIM 604169.

gnomAD v4.1: 1 of 1,613,990 alleles (0.000062%); highest among the groups gnomAD compares: Non-Finnish European, 0.000085%; no homozygotes.

Submission:

Labcorp Genetics (formerly Invitae), Labcorp
Classification: Uncertain significance for Left ventricular noncompaction 1. Last evaluated: 2025-10-19. Review status: criteria provided, single submitter. Criteria: Invitae Variant Classification Sherloc (09022015). Collection method: clinical testing. Allele origin: germline.
Comment: This sequence change replaces methionine, which is neutral and non-polar, with leucine, which is neutral and non-polar, at codon 252 of the DTNA protein (p.Met252Leu). This variant is not present in population databases (gnomAD no frequency). This variant has not been reported in the literature in individuals affected with DTNA-related conditions. ClinVar contains an entry for this variant (Variation ID: 2194861). Invitae Evidence Modeling of protein sequence and biophysical properties (such as structural, functional, and spatial information, amino acid conservation, physicochemical variation, residue mobility, and thermodynamic stability) indicates that this missense variant is not expected to disrupt DTNA protein function with a negative predictive value of 80%. In summary, the available evidence is currently insufficient to determine the role of this variant in disease. Therefore, it has been classified as a Variant of Uncertain Significance.